The following is an entry in ClinVar:

ClinVar aggregate classification (germline): Pathogenic. Review status: criteria provided, multiple submitters, no conflicts (2 of 4 stars). 2 submissions from 2 submitters: Pathogenic (2). Last evaluated 2025-08-26.

Conditions:
KMT2D-related disorder. Also called: KMT2D-Related Disorders.
Kabuki syndrome. Also called: NIIKAWA-KUROKI SYNDROME; Kabuki make-up syndrome. Identifiers: Orphanet 2322, MedGen C0796004, MONDO:0016512.

Submissions (2):

Labcorp Genetics (formerly Invitae), Labcorp
Classification: Pathogenic for Kabuki syndrome. Last evaluated: 2025-08-26. Review status: criteria provided, single submitter. Criteria: Invitae Variant Classification Sherloc (09022015). Collection method: clinical testing. Allele origin: germline.
Comment: This sequence change creates a premature translational stop signal (p.Gln3866*) in the KMT2D gene. It is expected to result in an absent or disrupted protein product. Loss-of-function variants in KMT2D are known to be pathogenic (PMID: 22126750). This variant is not present in population databases (gnomAD no frequency). This premature translational stop signal has been observed in individual(s) with Kabuki syndrome (PMID: 29304373). For these reasons, this variant has been classified as Pathogenic.

Blueprint Genetics
Classification: Pathogenic for KMT2D-related disorders. Last evaluated: 2024-06-24. Review status: criteria provided, single submitter. Criteria: ACMG Guidelines, 2015. Collection method: clinical testing. Allele origin: germline. Affected: yes. Observed: 1 variant allele.

Literature cited by the submitters: PubMed 22126750 (cited by Labcorp Genetics (formerly Invitae), Labcorp); PubMed 29304373 (cited by Labcorp Genetics (formerly Invitae), Labcorp).

NM_003482.4(KMT2D):c.11596C>T (p.Gln3866Ter)

Gene: KMT2D (lysine methyltransferase 2D; minus strand). Cytogenetic location: 12q13.12.
Variant type: single nucleotide variant.
Coding change: c.11596C>T on transcript NM_003482.4 (MANE Select); coding-DNA position 11596, C replaced by T.
Protein change: p.Gln3866Ter; replaces glutamine 3866 with a stop codon.
Molecular consequence: nonsense.
Genome position (GRCh38, 1-based): chr12:49,033,109, G>A on the plus strand (C>T on the coding strand, the complement: KMT2D is on the minus strand). VCF-style: chr12-49033109-G-A. GRCh37 (hg19) VCF-style: chr12-49426892-G-A.
Other names: short protein forms Q3866*.
Identifiers: ClinVar variation 4709954 (VCV004709954.2).